The following is an entry in ClinVar:

NM_001130438.3(SPTAN1):c.6260C>G (p.Ala2087Gly)

Gene: SPTAN1 (spectrin alpha, non-erythrocytic 1; plus strand). Cytogenetic location: 9q34.11.
Variant type: single nucleotide variant.
Coding change: c.6260C>G on transcript NM_001130438.3 (MANE Select); coding-DNA position 6260, C replaced by G.
Protein change: p.Ala2087Gly; replaces alanine 2087 with glycine.
Molecular consequence: missense variant.
Genome position (GRCh38, 1-based): chr9:128,625,959, C>G. VCF-style: chr9-128625959-C-G. GRCh37 (hg19) VCF-style: chr9-131388238-C-G.
Other names: c.6185C>G, p.Ala2062Gly (NM_001195532.2); c.6260C>G, p.Ala2087Gly (NM_001363759.2, NM_001375310.1, NM_001375311.2 and 1 more transcripts); c.6200C>G, p.Ala2067Gly (NM_001363765.2, NM_001375314.2); c.6296C>G, p.Ala2099Gly (NM_001375312.2, NM_001375318.1); c.6245C>G, p.Ala2082Gly (NM_003127.4); short protein forms A2082G, A2067G, A2087G, A2099G, A2062G.
Identifiers: ClinVar variation 2790889 (VCV002790889.3), dbSNP rs2542192174, ClinGen allele CA375087317.
Genomic context (GRCh38, chr9:128,625,959, plus strand): 5'-TGAAGAGGTGGAGCCAGCTTCTGGCCAACTCAGCCGCCCGCAAGAAGAAGCTTCTGGAGG[C>G]TCAGAGTCACTTCCGCAAGGTGAGGATGGGGCCACGTGAAGCTTAGCTGGCCCACAGCTC-3'
Protein context (NP_001123910.1, residues 2077-2097): SAARKKKLLE[Ala2087Gly]QSHFRKVEDL

ClinVar aggregate classification (germline): Uncertain significance (1 of 4 stars; one submission).

Conditions:
Early-infantile DEE. Also called: Early infantile epileptic encephalopathy; Early infantile epileptic encephalopathy with suppression bursts; Ohtahara syndrome. Identifiers: Orphanet 1934, MedGen C0393706, MONDO:0800491.

Submission:

Labcorp Genetics (formerly Invitae), Labcorp
Classification: Uncertain significance for Early-infantile DEE. Last evaluated: 2023-11-28. Review status: criteria provided, single submitter. Criteria: Invitae Variant Classification Sherloc (09022015). Collection method: clinical testing. Allele origin: germline.
Comment: This sequence change replaces alanine, which is neutral and non-polar, with glycine, which is neutral and non-polar, at codon 2087 of the SPTAN1 protein (p.Ala2087Gly). This variant is not present in population databases (gnomAD no frequency). This variant has not been reported in the literature in individuals affected with SPTAN1-related conditions. Advanced modeling of protein sequence and biophysical properties (such as structural, functional, and spatial information, amino acid conservation, physicochemical variation, residue mobility, and thermodynamic stability) has been performed at Invitae for this missense variant, however the output from this modeling did not meet the statistical confidence thresholds required to predict the impact of this variant on SPTAN1 protein function. In summary, the available evidence is currently insufficient to determine the role of this variant in disease. Therefore, it has been classified as a Variant of Uncertain Significance.